The following is an entry in ClinVar:

NM_015259.6(ICOSLG):c.649A>G (p.Ile217Val)

Gene: ICOSLG (inducible T cell costimulator ligand; minus strand). Cytogenetic location: 21q22.3.
Variant type: single nucleotide variant.
Coding change: c.649A>G on transcript NM_015259.6 (MANE Select); coding-DNA position 649, A replaced by G.
Protein change: p.Ile217Val; replaces isoleucine 217 with valine.
Molecular consequence: missense variant.
Genome position (GRCh38, 1-based): chr21:44,235,320, T>C on the plus strand (A>G on the coding strand, the complement: ICOSLG is on the minus strand). VCF-style: chr21-44235320-T-C. GRCh37 (hg19) VCF-style: chr21-45655203-T-C.
Other names: c.649A>G, p.Ile217Val (NM_001283050.2, NM_001395918.1); c.298A>G, p.Ile100Val (NM_001283051.2); c.394A>G, p.Ile132Val (NM_001283052.2); c.568A>G, p.Ile190Val (NM_001365759.2); short protein forms I132V, I217V, I100V, I190V.
Identifiers: ClinVar variation 2908090 (VCV002908090.3), dbSNP rs778184080, ClinGen allele CA321497076.

ClinVar aggregate classification (germline): Uncertain significance (1 of 4 stars; one submission).

Submission:

Labcorp Genetics (formerly Invitae), Labcorp
Classification: Uncertain significance. Last evaluated: 2023-02-09. Review status: criteria provided, single submitter. Criteria: Invitae Variant Classification Sherloc (09022015). Collection method: clinical testing. Allele origin: germline.
Comment: Algorithms developed to predict the effect of missense changes on protein structure and function output the following: SIFT: "Tolerated"; PolyPhen-2: "Possibly Damaging"; Align-GVGD: "Class C0". The valine amino acid residue is found in multiple mammalian species, which suggests that this missense change does not adversely affect protein function. In summary, the available evidence is currently insufficient to determine the role of this variant in disease. Therefore, it has been classified as a Variant of Uncertain Significance. This variant has not been reported in the literature in individuals affected with ICOSLG-related conditions. This sequence change replaces isoleucine, which is neutral and non-polar, with valine, which is neutral and non-polar, at codon 217 of the ICOSLG protein (p.Ile217Val). This variant is not present in population databases (gnomAD no frequency).